The following is an entry in ClinVar:

ClinVar aggregate classification (germline): Conflicting classifications of pathogenicity. Review status: criteria provided, conflicting classifications (1 of 4 stars). 2 submissions from 2 submitters: Uncertain significance (1); Likely benign (1). Last evaluated 2025-03-19.

Conditions:
Cardiovascular phenotype. Identifiers: MedGen CN230736.

gnomAD v4.1: 4 of 1,614,206 alleles (0.00025%); highest among the groups gnomAD compares: Middle Eastern, 0.016%; no homozygotes.

Submissions (2):

Labcorp Genetics (formerly Invitae), Labcorp
Classification: Uncertain significance. Last evaluated: 2025-03-19. Review status: criteria provided, single submitter. Criteria: Invitae Variant Classification Sherloc (09022015). Collection method: clinical testing. Allele origin: germline.
Comment: This sequence change replaces glycine, which is neutral and non-polar, with alanine, which is neutral and non-polar, at codon 59 of the APOA1 protein (p.Gly59Ala). This variant is present in population databases (no rsID available, gnomAD 0.0009%). This variant has not been reported in the literature in individuals affected with APOA1-related conditions. Invitae Evidence Modeling of protein sequence and biophysical properties (such as structural, functional, and spatial information, amino acid conservation, physicochemical variation, residue mobility, and thermodynamic stability) indicates that this missense variant is not expected to disrupt APOA1 protein function with a negative predictive value of 95%. In summary, the available evidence is currently insufficient to determine the role of this variant in disease. Therefore, it has been classified as a Variant of Uncertain Significance.

Ambry Genetics
Classification: Likely benign for Cardiovascular phenotype. Last evaluated: 2025-03-14. Review status: criteria provided, single submitter. Criteria: Ambry Variant Classification Scheme 2023. Collection method: clinical testing. Allele origin: germline.

NM_000039.3(APOA1):c.176G>C (p.Gly59Ala)

Genes: APOA1 (apolipoprotein A1; minus strand), APOA1-AS (APOA1 antisense RNA; plus strand). Cytogenetic location: 11q23.3.
Variant type: single nucleotide variant.
Coding change: c.176G>C on transcript NM_000039.3 (MANE Select); coding-DNA position 176, G replaced by C.
Protein change: p.Gly59Ala; replaces glycine 59 with alanine.
Molecular consequence: missense variant. On other transcripts: intron variant (1), 5 prime UTR variant (2).
Genome position (GRCh38, 1-based): chr11:116,837,025, C>G on the plus strand (G>C on the coding strand, the complement: APOA1 is on the minus strand). VCF-style: chr11-116837025-C-G. GRCh37 (hg19) VCF-style: chr11-116707741-C-G.
Other names: c.-128+320G>C (NM_001425091.1); c.176G>C, p.Gly59Ala (NM_001318017.2, NM_001318018.2, NM_001425090.1 and 1 more transcripts); c.-152G>C (NM_001318021.2, NM_001425092.1); short protein forms G59A.
Identifiers: ClinVar variation 3619057 (VCV003619057.3).